The following is an entry in ClinVar:

NM_001369.3(DNAH5):c.10396G>T (p.Glu3466Ter)

Gene: DNAH5 (dynein axonemal heavy chain 5; minus strand). Cytogenetic location: 5p15.2.
Variant type: single nucleotide variant.
Coding change: c.10396G>T on transcript NM_001369.3 (MANE Select); coding-DNA position 10396, G replaced by T.
Protein change: p.Glu3466Ter; replaces glutamic acid 3466 with a stop codon.
Molecular consequence: nonsense.
Genome position (GRCh38, 1-based): chr5:13,758,869, C>A on the plus strand (G>T on the coding strand, the complement: DNAH5 is on the minus strand). VCF-style: chr5-13758869-C-A. GRCh37 (hg19) VCF-style: chr5-13758978-C-A.
Other names: short protein forms E3466*.
Identifiers: ClinVar variation 5015299 (VCV005015299.1).

ClinVar aggregate classification (germline): Pathogenic (1 of 4 stars; one submission).

Conditions:
Primary ciliary dyskinesia 3. Identifiers: Orphanet 244, MedGen C1837618, MONDO:0012085, OMIM 608644.

Submission:

Myriad Genetics, Inc.
Classification: Pathogenic for Primary ciliary dyskinesia 3. Last evaluated: 2025-12-09. Review status: criteria provided, single submitter. Criteria: Myriad Autosomal Dominant, Autosomal Recessive and X-Linked Classification Criteria (2023). Collection method: clinical testing. Allele origin: unknown.
Comment: NM_001369.2(DNAH5):c.10396G>T(E3466*) is expected to be pathogenic in the context of primary ciliary dyskinesia, DNAH5-related. This variant is predicted to lead to an abnormal or absent protein product due to the creation of a premature termination codon in DNAH5, a gene where loss-of-function variants are known to be pathogenic. Please note: this variant was assessed in the context of healthy population screening.